The following is an entry in ClinVar:

NM_001267550.2(TTN):c.83743C>T (p.Gln27915Ter)

Genes: TTN (titin; minus strand), TTN-AS1 (TTN antisense RNA 1; plus strand). Cytogenetic location: 2q31.2.
Variant type: single nucleotide variant.
Coding change: c.83743C>T on transcript NM_001267550.2 (MANE Select); coding-DNA position 83743, C replaced by T.
Protein change: p.Gln27915Ter; replaces glutamine 27915 with a stop codon.
Molecular consequence: nonsense.
Genome position (GRCh38, 1-based): chr2:178,562,389, G>A on the plus strand (C>T on the coding strand, the complement: TTN is on the minus strand). VCF-style: chr2-178562389-G-A. GRCh37 (hg19) VCF-style: chr2-179427116-G-A.
Other names: c.78820C>T, p.Gln26274Ter (NM_001256850.1); c.56548C>T, p.Gln18850Ter (NM_003319.4); c.76039C>T, p.Gln25347Ter (NM_133378.4); c.56923C>T, p.Gln18975Ter (NM_133432.3); c.57124C>T, p.Gln19042Ter (NM_133437.4); short protein forms Q18850*, Q18975*, Q19042*, Q25347*, Q26274*, Q27915*.
Identifiers: ClinVar variation 4884416 (VCV004884416.1).

ClinVar aggregate classification (germline): Likely pathogenic (1 of 4 stars; one submission).

Conditions:
TTN-related myopathy. Identifiers: MedGen CN294812, MONDO:0100175.

Submission:

Division of Genetic & Genomic Pathology, Hong Kong Children's Hospital
Classification: Likely pathogenic for TTN-related myopathy. Last evaluated: 2025-03-04. Review status: criteria provided, single submitter. Criteria: ACMG Guidelines, 2015. Collection method: clinical testing. Allele origin: germline. Affected: yes.
Comment: The TTN c.83743C>T p.(Gln27915Ter) nonsense variant is located in exon 326 out of 363 exons in the meta-transcript. This variant is located in the A-band region of the titin protein and is included in the principle cardiac long isoform (N2BA), the principle cardiac short isoform (N2B), and the soleus / skeletal long isoform (N2A). It is predicted to cause loss of normal protein function by nonsense-mediated mRNA decay. This variant is absent in population controls (gnomAD v2.1.1 and v4.1.0), and is not reported in ClinVar or HGMD Professional (v2024.3). For these reasons, TTN c.83743C>T p.(Gln27915Ter) is classified as likely pathogenic. This variant is in trans with another likely pathogenic variant.